The following is an entry in ClinVar:

NM_014679.5(CEP57):c.7G>A (p.Ala3Thr)

Genes: CEP57 (centrosomal protein 57; plus strand), LOC130006618 (ATAC-STARR-seq lymphoblastoid active region 5417; plus strand). Cytogenetic location: 11q21.
Variant type: single nucleotide variant.
Coding change: c.7G>A on transcript NM_014679.5 (MANE Select); coding-DNA position 7, G replaced by A.
Protein change: p.Ala3Thr; replaces alanine 3 with threonine.
Molecular consequence: missense variant. On other transcripts: 5 prime UTR variant (2).
Genome position (GRCh38, 1-based): chr11:95,790,705, G>A. VCF-style: chr11-95790705-G-A. GRCh37 (hg19) VCF-style: chr11-95523869-G-A.
Other names: c.-65G>A (NM_001243776.2); c.7G>A, p.Ala3Thr (NM_001243777.2); c.-388G>A (NM_001363604.2); short protein forms A3T.
Identifiers: ClinVar variation 4001064 (VCV004001064.1).

ClinVar aggregate classification (germline): Uncertain significance (1 of 4 stars; one submission).

Conditions:
Inborn genetic diseases. Identifiers: MedGen C0950123, MeSH D030342.

gnomAD v4.1: 3 of 1,613,930 alleles (0.00019%); highest among the groups gnomAD compares: African/African-American, 0.004%; no homozygotes.

Submission:

Ambry Genetics
Classification: Uncertain significance for Inborn genetic diseases. Last evaluated: 2025-05-25. Review status: criteria provided, single submitter. Criteria: Ambry Variant Classification Scheme 2023. Collection method: clinical testing. Allele origin: germline.
Comment: The p.A3T variant (also known as c.7G>A), located in coding exon 1 of the CEP57 gene, results from a G to A substitution at nucleotide position 7. The alanine at codon 3 is replaced by threonine, an amino acid with similar properties. This amino acid position is conserved. In addition, this alteration is predicted to be tolerated by in silico analysis. Based on the available evidence, the clinical significance of this variant remains unclear.